The following is an entry in ClinVar:

ClinVar aggregate classification (germline): Uncertain significance (1 of 4 stars; one submission).

Conditions:
Short-rib thoracic dysplasia 14 with polydactyly (SRTD14). Identifiers: Orphanet 397715, MedGen C4225286, MONDO:0014688, OMIM 616546.
Joubert syndrome 23 (JBTS23). Identifiers: Orphanet 475, MedGen C4084822, MONDO:0014664, OMIM 616490.

Allele frequency attached by ClinVar (database versions not stated): gnomAD exomes below 0.00001.
gnomAD v4.1: 4 of 1,580,966 alleles (0.00025%); highest among the groups gnomAD compares: Non-Finnish European, 0.00034%; no homozygotes.

Submission:

Labcorp Genetics (formerly Invitae), Labcorp
Classification: Uncertain significance for Joubert syndrome 23; Short-rib thoracic dysplasia 14 with polydactyly. Last evaluated: 2021-06-28. Review status: criteria provided, single submitter. Criteria: Invitae Variant Classification Sherloc (09022015). Collection method: clinical testing. Allele origin: germline.
Comment: In summary, the available evidence is currently insufficient to determine the role of this variant in disease. Therefore, it has been classified as a Variant of Uncertain Significance. Algorithms developed to predict the effect of missense changes on protein structure and function output the following: SIFT: "Tolerated"; PolyPhen-2: "Benign"; Align-GVGD: "Class C0". The glutamine amino acid residue is found in multiple mammalian species, which suggests that this missense change does not adversely affect protein function. This sequence change replaces glutamic acid with glutamine at codon 510 of the KIAA0586 protein (p.Glu510Gln). The glutamic acid residue is moderately conserved and there is a small physicochemical difference between glutamic acid and glutamine. This variant is not present in population databases (ExAC no frequency). This variant has not been reported in the literature in individuals affected with KIAA0586-related conditions.

NM_001329943.3(KIAA0586):c.1369G>C (p.Glu457Gln)

Gene: KIAA0586 (KIAA0586; plus strand). Cytogenetic location: 14q23.1.
Variant type: single nucleotide variant.
Coding change: c.1369G>C on transcript NM_001329943.3 (MANE Select); coding-DNA position 1369, G replaced by C.
Protein change: p.Glu457Gln; replaces glutamic acid 457 with glutamine.
Molecular consequence: missense variant.
Genome position (GRCh38, 1-based): chr14:58,457,765, G>C. VCF-style: chr14-58457765-G-C. GRCh37 (hg19) VCF-style: chr14-58924483-G-C.
Other names: c.1528G>C, p.Glu510Gln (NM_001244189.2); c.1324G>C, p.Glu442Gln (NM_001244190.2); c.1114G>C, p.Glu372Gln (NM_001244191.2, NM_001329945.2, NM_001364700.1 and 1 more transcripts); c.1237G>C, p.Glu413Gln (NM_001244192.2); c.949G>C, p.Glu317Gln (NM_001244193.2); c.1369G>C, p.Glu457Gln (NM_001329944.2, NM_001329946.2, NM_001329947.2 and 1 more transcripts); short protein forms E317Q, E457Q, E372Q, E413Q, E442Q, E510Q.
Identifiers: ClinVar variation 1502019 (VCV001502019.8), dbSNP rs2140843404, ClinGen allele CA389868159.